The following is an entry in ClinVar:

NM_005450.6(NOG):c.272G>A (p.Gly91Asp)

Gene: NOG (noggin; plus strand). Cytogenetic location: 17q22.
Variant type: single nucleotide variant.
Coding change: c.272G>A on transcript NM_005450.6 (MANE Select); coding-DNA position 272, G replaced by A.
Protein change: p.Gly91Asp; replaces glycine 91 with aspartic acid.
Molecular consequence: missense variant.
Genome position (GRCh38, 1-based): chr17:56,594,495, G>A. VCF-style: chr17-56594495-G-A. GRCh37 (hg19) VCF-style: chr17-54671856-G-A.
Other names: short protein forms G91D.
Identifiers: ClinVar variation 498511 (VCV000498511.9), dbSNP rs375026622, ClinGen allele CA8663172.

ClinVar aggregate classification (germline): Uncertain significance. Review status: criteria provided, multiple submitters, no conflicts (2 of 4 stars). 2 submissions from 2 submitters: Uncertain significance (2). Last evaluated 2025-09-24.

Allele frequency attached by ClinVar (database versions not stated): gnomAD exomes below 0.00001; gnomAD 0.00003; TOPMed 0.00003.

Submissions (2):

Labcorp Genetics (formerly Invitae), Labcorp
Classification: Uncertain significance. Last evaluated: 2025-09-24. Review status: criteria provided, single submitter. Criteria: Invitae Variant Classification Sherloc (09022015). Collection method: clinical testing. Allele origin: germline.
Comment: This sequence change replaces glycine, which is neutral and non-polar, with aspartic acid, which is acidic and polar, at codon 91 of the NOG protein (p.Gly91Asp). This variant is present in population databases (rs375026622, gnomAD 0.005%). This variant has not been reported in the literature in individuals affected with NOG-related conditions. ClinVar contains an entry for this variant (Variation ID: 498511). An algorithm developed to predict the effect of missense changes on protein structure and function (PolyPhen-2) suggests that this variant is likely to be disruptive. In summary, the available evidence is currently insufficient to determine the role of this variant in disease. Therefore, it has been classified as a Variant of Uncertain Significance.

Eurofins Ntd Llc (ga)
Classification: Uncertain significance. Last evaluated: 2016-11-23. Review status: criteria provided, single submitter. Criteria: EGL Classification Definitions 2015. Collection method: clinical testing. Allele origin: germline. Observed: 1 variant allele, 1 heterozygote.